The following is an entry in ClinVar:

NM_032590.5(KDM2B):c.2173G>A (p.Ala725Thr)

Gene: KDM2B (lysine demethylase 2B; minus strand). Cytogenetic location: 12q24.31.
Variant type: single nucleotide variant.
Coding change: c.2173G>A on transcript NM_032590.5 (MANE Select); coding-DNA position 2173, G replaced by A.
Protein change: p.Ala725Thr; replaces alanine 725 with threonine.
Molecular consequence: missense variant.
Genome position (GRCh38, 1-based): chr12:121,444,467, C>T on the plus strand (G>A on the coding strand, the complement: KDM2B is on the minus strand). VCF-style: chr12-121444467-C-T. GRCh37 (hg19) VCF-style: chr12-121882270-C-T.
Other names: c.2080G>A, p.Ala694Thr (NM_001005366.2); short protein forms A694T, A725T.
Identifiers: ClinVar variation 1803574 (VCV001803574.1), dbSNP rs1555289644, ClinGen allele CA386975499.

ClinVar aggregate classification (germline): Uncertain significance (1 of 4 stars; one submission).

gnomAD v4.1: 16 of 1,614,042 alleles (0.00099%); highest among the groups gnomAD compares: East Asian, 0.031%; no homozygotes.

Submission:

GeneDx
Classification: Uncertain significance. Last evaluated: 2021-11-15. Review status: criteria provided, single submitter. Criteria: GeneDx Variant Classification Process June 2021. Collection method: clinical testing. Allele origin: germline. Affected: yes.
Comment: Identified in 4 members of a Japanese family with Marfan syndrome-like minor physical anomalies, intellectual disability, and schizophrenia (Yokotsuka-Ishida et al., 2021); Published functional studies showed that A725T mRNA expression levels were decreased by half compared to controls in lymphoblastoid cell lines, however no effect was seen on histone H3K4 methylation (Yokotsuka-Ishida et al., 2021); In silico analysis supports that this missense variant does not alter protein structure/function; In-silico analysis is inconclusive as to whether the variant alters gene splicing. In the absence of RNA/functional studies, the actual effect of this sequence change is unknown.; Variants in candidate genes are classified as variants of uncertain significance in accordance with ACMG guidelines (Richards et al., 2015); This variant is associated with the following publications: (PMID: 33402700)